The following is an entry in ClinVar:

NM_003612.5(SEMA7A):c.555C>T (p.Asp185=)

Gene: SEMA7A (semaphorin 7A (JohnMiltonHagen blood group); minus strand). Cytogenetic location: 15q24.1.
Variant type: single nucleotide variant.
Coding change: c.555C>T on transcript NM_003612.5 (MANE Select); coding-DNA position 555, C replaced by T.
Protein change: p.Asp185=; no amino-acid change (aspartic acid 185 retained).
Molecular consequence: synonymous variant.
Genome position (GRCh38, 1-based): chr15:74,417,441, G>A on the plus strand (C>T on the coding strand, the complement: SEMA7A is on the minus strand). VCF-style: chr15-74417441-G-A. GRCh37 (hg19) VCF-style: chr15-74709782-G-A.
Other names: c.513C>T, p.Asp171= (NM_001146029.3); c.60C>T, p.Asp20= (NM_001146030.3).
Identifiers: ClinVar variation 4978315 (VCV004978315.1).

ClinVar aggregate classification (germline): Likely benign (1 of 4 stars; one submission).

Conditions:
SEMA7A-related disorder. Also called: SEMA7A-related condition.

gnomAD v4.1: 220 of 1,613,126 alleles (0.014%); highest among the groups gnomAD compares: East Asian, 0.025%; 1 homozygote.

Submission:

PreventionGenetics, part of Exact Sciences
Classification: Likely benign for SEMA7A-related condition. Last evaluated: 2026-08-04. Review status: criteria provided, single submitter. Criteria: ACMG Guidelines, 2015. Collection method: clinical testing. Allele origin: germline.
Comment: This variant is classified as likely benign based on ACMG/AMP sequence variant interpretation guidelines (Richards et al. 2015 PMID: 25741868, with internal and published modifications).